The following is an entry in ClinVar:

ClinVar aggregate classification (germline): Uncertain significance (1 of 4 stars; one submission).

Conditions:
Cardiovascular phenotype. Identifiers: MedGen CN230736.

gnomAD v4.1: 1 of 1,550,236 alleles (0.000065%); highest among the groups gnomAD compares: African/African-American, 0.0014%; no homozygotes.

Submission:

Ambry Genetics
Classification: Uncertain significance for Cardiovascular phenotype. Last evaluated: 2024-11-23. Review status: criteria provided, single submitter. Criteria: Ambry Variant Classification Scheme 2023. Collection method: clinical testing. Allele origin: germline.
Comment: The p.A2254V variant (also known as c.6761C>T), located in coding exon 2 of the ZNF469 gene, results from a C to T substitution at nucleotide position 6761. The alanine at codon 2254 is replaced by valine, an amino acid with similar properties. This amino acid position is conserved. In addition, this alteration is predicted to be tolerated by in silico analysis. Based on the available evidence, the clinical significance of this variant remains unclear.

NM_001367624.2(ZNF469):c.6845C>T (p.Ala2282Val)

Gene: ZNF469 (zinc finger protein 469; plus strand). Cytogenetic location: 16q24.2.
Variant type: single nucleotide variant.
Coding change: c.6845C>T on transcript NM_001367624.2 (MANE Select); coding-DNA position 6845, C replaced by T.
Protein change: p.Ala2282Val; replaces alanine 2282 with valine.
Molecular consequence: missense variant.
Genome position (GRCh38, 1-based): chr16:88,434,315, C>T. VCF-style: chr16-88434315-C-T. GRCh37 (hg19) VCF-style: chr16-88500723-C-T.
Other names: NM_001127464.1:c.6761C>T; short protein forms A2282V.
Identifiers: ClinVar variation 3476283 (VCV003476283.1).
Genomic context (GRCh38, chr16:88,434,315, plus strand): 5'-GGGAGTCTCCTGGCCGAGCCACCTCTCCTCCTCTGGCAGGGGCCGTCTCCCCCAGCGTGG[C>T]CGTCAGGGCTACTGGCCTGTCCAGCACTCCCACCGGAGATGAGGCACAGGCAGGCAGGGG-3'
Protein context (NP_001354553.1, residues 2272-2292): PLAGAVSPSV[Ala2282Val]VRATGLSSTP